The following is an entry in ClinVar:

ClinVar aggregate classification (germline): Uncertain significance (1 of 4 stars; one submission).

Allele frequency attached by ClinVar (database versions not stated): TOPMed below 0.00001.

Submission:

Labcorp Genetics (formerly Invitae), Labcorp
Classification: Uncertain significance. Last evaluated: 2025-11-03. Review status: criteria provided, single submitter. Criteria: Invitae Variant Classification Sherloc (09022015). Collection method: clinical testing. Allele origin: germline.
Comment: This sequence change replaces serine, which is neutral and polar, with proline, which is neutral and non-polar, at codon 1570 of the TRPM1 protein (p.Ser1570Pro). This variant is not present in population databases (gnomAD no frequency). This variant has not been reported in the literature in individuals affected with TRPM1-related conditions. ClinVar contains an entry for this variant (Variation ID: 2117902). Invitae Evidence Modeling of protein sequence and biophysical properties (such as structural, functional, and spatial information, amino acid conservation, physicochemical variation, residue mobility, and thermodynamic stability) indicates that this missense variant is not expected to disrupt TRPM1 protein function with a negative predictive value of 95%. In summary, the available evidence is currently insufficient to determine the role of this variant in disease. Therefore, it has been classified as a Variant of Uncertain Significance.

NM_001252024.2(TRPM1):c.4774T>C (p.Ser1592Pro)

Gene: TRPM1 (transient receptor potential cation channel subfamily M member 1; minus strand). Cytogenetic location: 15q13.3.
Variant type: single nucleotide variant.
Coding change: c.4774T>C on transcript NM_001252024.2 (MANE Select); coding-DNA position 4774, T replaced by C.
Protein change: p.Ser1592Pro; replaces serine 1592 with proline.
Molecular consequence: missense variant.
Genome position (GRCh38, 1-based): chr15:31,001,926, A>G on the plus strand (T>C on the coding strand, the complement: TRPM1 is on the minus strand). VCF-style: chr15-31001926-A-G. GRCh37 (hg19) VCF-style: chr15-31294129-A-G.
Other names: c.4825T>C, p.Ser1609Pro (NM_001252020.2); c.4708T>C, p.Ser1570Pro (NM_002420.6); short protein forms S1570P, S1609P, S1592P.
Identifiers: ClinVar variation 2117902 (VCV002117902.4), dbSNP rs1235134955, ClinGen allele CA391521172.